The following is an entry in ClinVar:

ClinVar aggregate classification (germline): Pathogenic/Likely pathogenic. Review status: criteria provided, multiple submitters, no conflicts (2 of 4 stars). 49 submissions from 46 submitters: Pathogenic (34); Likely pathogenic (4). 11 of the submissions do not count toward it. Last evaluated 2026-04-16.

Conditions:
Acute rhabdomyolysis. Identifiers: MedGen C3807306, HP:0008942.
Sensory ataxic neuropathy, dysarthria, and ophthalmoparesis (SANDO). Also called: Epilepsy, progressive myoclonic, type 5; Sensory ataxic neuropathy-dysarthria-ophthalmoparesis syndrome; SENSORY ATAXIC NEUROPATHY WITH MITOCHONDRIAL DNA DELETIONS, AUTOSOMAL RECESSIVE; Ataxia Neuropathy Spectrum (ANS). Identifiers: Orphanet 70595, MedGen C1843851, MONDO:0011835, OMIM 607459.
Mitochondrial DNA depletion syndrome 4b. Also called: MNGIE, POLG-RELATED; Mitochondrial Neurogastrointestinal Encephalopathy Disease, POLG-Related. Identifiers: Orphanet 298, MedGen C3150914, MONDO:0013350, OMIM 613662.
Progressive external ophthalmoplegia with mitochondrial DNA deletions, autosomal recessive 1 (PEOB1). Also called: Autosomal Recessive Progressive External Ophthalmoplegia (arPEO); Progressive external ophthalmoplegia, autosomal recessive 1. Identifiers: Orphanet 254886, MedGen C4225153, MONDO:0009783, OMIM 258450.
Progressive sclerosing poliodystrophy (MTDPS4A). Also called: NEURONAL DEGENERATION OF CHILDHOOD WITH LIVER DISEASE, PROGRESSIVE; ALPERS DIFFUSE DEGENERATION OF CEREBRAL GRAY MATTER WITH HEPATIC CIRRHOSIS; Alpers-Huttenlocher Syndrome; ALPERS PROGRESSIVE INFANTILE POLIODYSTROPHY; Alpers-Huttenlocher Syndrome (AHS); Alpers Syndrome. Identifiers: Orphanet 726, MedGen C0205710, MONDO:0008758, OMIM 203700.
Possible mitochondrial disorder - nuclear genes.
Mitochondrial DNA depletion syndrome 1. Also called: Mitochondrial DNA depletion syndrome 1 (MNGIE type); Mitochondrial DNA Depletion Syndrome, MNGIE Form; MITOCHONDRIAL NEUROGASTROINTESTINAL ENCEPHALOPATHY SYNDROME, TYMP-RELATED; MNGIE, TYMP-RELATED; Mitochondrial neurogastrointestinal encephalomyopathy syndrome; POLIP SYNDROME. Identifiers: Orphanet 298, MedGen C4551995, MONDO:0011283, OMIM 603041.
Progressive external ophthalmoplegia with mitochondrial DNA deletions, autosomal dominant 1 (PEOA1). Also called: PROGRESSIVE EXTERNAL OPHTHALMOPLEGIA, AUTOSOMAL DOMINANT 1; Autosomal Dominant Progressive External Ophthalmoplegia (adPEO). Identifiers: MedGen C1834846, MONDO:0024528, OMIM 157640.
POLG-related disorder. Also called: POLG-Related Spectrum Disorders; POLG-related condition; POLG-Related Disorders. Identifiers: MedGen C4763519.
Inborn genetic diseases. Identifiers: MedGen C0950123, MeSH D030342.
Mitochondrial disease. Also called: Mitochondrial disorder; Mitochondrial disorders. Identifiers: Orphanet 68380, MedGen C0751651, MeSH D028361, MONDO:0044970.
Spinocerebellar ataxia with epilepsy. Also called: Myoclonic Epilepsy Myopathy Sensory Ataxia (MEMSA). Identifiers: Orphanet 254881, MedGen C1843852, MONDO:0016809.

Allele frequency attached by ClinVar (database versions not stated): TOPMed 0.00031; gnomAD 0.00076 and 0.00081; gnomAD exomes 0.00097 and 0.00074; ExAC 0.00084.

Submissions 1 to 11 of 49:

Genetics Laboratory, Great Ormond Street Hospital NHS Foundation Trust, North Thames Genomic Laboratory Hub
Classification: Pathogenic for Possible mitochondrial disorder - nuclear genes. Last evaluated: 2026-04-16. Review status: criteria provided, single submitter. Criteria: ACGS Best Practice Guidelines for Variant Classification in Rare Disease 2024 v1.2. Collection method: clinical testing. Allele origin: germline. Affected: yes.
Comment: PP3_supporting, PM3_very-strong

Labcorp Genetics (formerly Invitae), Labcorp
Classification: Likely pathogenic for Progressive sclerosing poliodystrophy. Last evaluated: 2026-01-22. Review status: criteria provided, single submitter. Criteria: Invitae Variant Classification Sherloc (09022015). Collection method: clinical testing. Allele origin: germline.
Comment: This sequence change replaces tryptophan, which is neutral and slightly polar, with serine, which is neutral and polar, at codon 748 of the POLG protein (p.Trp748Ser). This variant is present in population databases (rs113994097, gnomAD 0.6%), and has an allele count higher than expected for a pathogenic variant. This missense change has been observed in individual(s) with autosomal recessive POLG-related disease (PMID: 15477547, 16080118, 16638794, 17894835, 18294203, 18546343, 22166854, 22931735). It is commonly reported in individuals of Finnish ancestry (PMID: 16080118). ClinVar contains an entry for this variant (Variation ID: 13507). Invitae Evidence Modeling of protein sequence and biophysical properties (such as structural, functional, and spatial information, amino acid conservation, physicochemical variation, residue mobility, and thermodynamic stability) indicates that this missense variant is expected to disrupt POLG protein function with a positive predictive value of 95%. Experimental studies are conflicting or provide insufficient evidence to determine the effect of this variant on POLG function (PMID: 17088268, 20153822). In summary, the currently available evidence indicates that the variant is pathogenic, but additional data are needed to prove that conclusively. Therefore, this variant has been classified as Likely Pathogenic.

CeGaT Center for Human Genetics Tuebingen
Classification: Pathogenic. Last evaluated: 2026-01-01. Review status: criteria provided, single submitter. Criteria: CeGaT Center For Human Genetics Tuebingen Variant Classification Criteria Version 2. Collection method: clinical testing. Allele origin: germline. Affected: yes. Observed: 14 variant alleles.
Comment: POLG: PM3:Very Strong, PM2, PP3, PS3:Supporting

3billion
Classification: Pathogenic for Sensory ataxic neuropathy, dysarthria, and ophthalmoparesis. Last evaluated: 2025-12-29. Review status: criteria provided, single submitter. Criteria: ACMG Guidelines, 2015. Collection method: clinical testing. Allele origin: germline. Affected: yes.
Comment: The variant is observed at an extremely low frequency in the gnomAD v4.1.0 dataset (total allele frequency: 0.073%). Predicted Consequence/Location: Missense variant In silico tool predictions suggest damaging effect of the variant on gene or gene product [REVEL: 0.91 (>=0.6, sensitivity 0.68 and specificity 0.92); 3Cnet: 0.76 (> 0.75, sensitivity 0.96 and precision 0.92)]. The same nucleotide change resulting in the same amino acid change has been previously reported as pathogenic/likely pathogenic with strong evidence (ClinVar ID: VCV000013507 /PMID: 15477547 /3billion dataset). The variant has been reported to be in trans with a pathogenic variant as either compound heterozygous or homozygous in at least one similarly affected unrelated individual (PMID: 18991199). The variant has been reported to co-segregate with the disease in at least one similarly affected relative/individual in the same family or similarly affected unrelated families (PMID: 18991199). A different missense change at the same codon (p.Trp748Cys) has been reported to be associated with POLG-related disorder (PMID: 26169155). Therefore, this variant is classified as Pathogenic according to the recommendation of ACMG/AMP guideline.

Dasa
Classification: Pathogenic. Last evaluated: 2025-12-01. Review status: criteria provided, single submitter. Criteria: DASA Assertion Criteria. Collection method: clinical testing. Allele origin: germline.
Comment: NM_002693.3(POLG):c.2243G>C (p.Trp748Ser) is a missense variant that results in the substitution of tryptophan with serine. Segregation evidence has been reported in affected families. This variant has been observed in affected individuals with related phenotype in a genotype context consistent with recessive disease (PMID: 15477547; PMID: 16080118; PMID: 16638794; PMID: 17894835). This variant has been recurrently observed in individuals with related phenotype (PMID: 15477547; PMID: 16080118; PMID: 16638794; PMID: 17894835). Multiple computational predictions support a deleterious effect on the gene or gene product. The variant is present at low frequency in population datasets. Based on the available data, this variant is classified as pathogenic.

NHS Central & South Genomic Laboratory Hub
Classification: Likely pathogenic for Acute Rhabdomyolysis. Last evaluated: 2025-10-21. Review status: criteria provided, single submitter. Criteria: ACMG Guidelines, 2015. Collection method: clinical testing. Allele origin: germline. Affected: yes.

First Genomix Gene Laboratory, Genetic Diagnostics Department
Classification: Pathogenic for Progressive sclerosing poliodystrophy; Mitochondrial DNA depletion syndrome 4b; Sensory ataxic neuropathy, dysarthria, and ophthalmoparesis; Progressive external ophthalmoplegia with mitochondrial DNA deletions, autosomal recessive 1. Last evaluated: 2025-06-19. Review status: criteria provided, single submitter. Criteria: ACMG Guidelines, 2015. Collection method: clinical testing. Allele origin: germline. Inheritance: Autosomal recessive inheritance. Affected: no. Observed: 1 variant allele.

Laboratory of Genetics, Children's Clinical University Hospital Latvia
Classification: Pathogenic. Last evaluated: 2025-02-16. Review status: criteria provided, single submitter. Criteria: ACMG Guidelines, 2015. Collection method: clinical testing. Allele origin: germline. Affected: yes.

Blueprint Genetics
Classification: Pathogenic for POLG-related disorders. Last evaluated: 2024-11-21. Review status: criteria provided, single submitter. Criteria: ACMG Guidelines, 2015. Collection method: clinical testing. Allele origin: germline. Affected: yes. Observed: 5 variant alleles.

Fulgent Genetics
Classification: Pathogenic for Progressive external ophthalmoplegia with mitochondrial DNA deletions, autosomal dominant 1; Progressive sclerosing poliodystrophy; Progressive external ophthalmoplegia with mitochondrial DNA deletions, autosomal recessive 1; Sensory ataxic neuropathy, dysarthria, and ophthalmoparesis; Mitochondrial DNA depletion syndrome 4b. Last evaluated: 2024-05-21. Review status: criteria provided, single submitter. Criteria: ACMG Guidelines, 2015. Collection method: clinical testing. Allele origin: germline.

Baylor Genetics
Classification: Pathogenic for Progressive sclerosing poliodystrophy. Last evaluated: 2024-03-30. Review status: criteria provided, single submitter. Criteria: ACMG Guidelines, 2015. Collection method: clinical testing. Allele origin: unknown.

NM_002693.3(POLG):c.2243G>C (p.Trp748Ser)

Gene: POLG (DNA polymerase gamma, catalytic subunit; minus strand). Cytogenetic location: 15q26.1.
Variant type: single nucleotide variant.
Coding change: c.2243G>C on transcript NM_002693.3 (MANE Select); coding-DNA position 2243, G replaced by C.
Protein change: p.Trp748Ser; replaces tryptophan 748 with serine.
Molecular consequence: missense variant.
Genome position (GRCh38, 1-based): chr15:89,323,426, C>G on the plus strand (G>C on the coding strand, the complement: POLG is on the minus strand). VCF-style: chr15-89323426-C-G. GRCh37 (hg19) VCF-style: chr15-89866657-C-G.
Other names: p.W748S:TGG>TCG; NM_001126131.1(POLG):c.2243G>C(p.Trp748Ser); NM_002693.2(POLG):c.2243G>C(p.Trp748Ser); c.2243G>C, p.Trp748Ser (NM_001126131.2); short protein forms W748S.
Identifiers: ClinVar variation 13507 (VCV000013507.113), dbSNP rs113994097, ClinGen allele CA123150.